The following is an entry in ClinVar:

NM_001165963.4(SCN1A):c.965-20G>A

Gene: SCN1A (sodium voltage-gated channel alpha subunit 1; minus strand). Cytogenetic location: 2q24.3.
Variant type: single nucleotide variant.
Coding change: c.965-20G>A on transcript NM_001165963.4 (MANE Select); 20 bases into the intron before coding-DNA position 965, G replaced by A.
Molecular consequence: intron variant.
Genome position (GRCh38, 1-based): chr2:166,048,969, C>T on the plus strand (G>A on the coding strand, the complement: SCN1A is on the minus strand). VCF-style: chr2-166048969-C-T. GRCh37 (hg19) VCF-style: chr2-166905479-C-T.
Other names: c.965-20G>A (NM_001353949.2, NM_001353958.2, NM_001353950.2 and 10 more transcripts); c.-1461-20G>A (NM_001353961.2).
Identifiers: ClinVar variation 386657 (VCV000386657.9), dbSNP rs369517865, ClinGen allele CA16603847.

ClinVar aggregate classification (germline): Likely benign. Review status: criteria provided, multiple submitters, no conflicts (2 of 4 stars). 2 submissions from 2 submitters: Likely benign (2). Last evaluated 2023-02-16.

Conditions:
Early-infantile DEE. Also called: Early infantile epileptic encephalopathy with suppression bursts; Ohtahara syndrome; Early infantile epileptic encephalopathy. Identifiers: Orphanet 1934, MedGen C0393706, MONDO:0800491.

Allele frequency attached by ClinVar (database versions not stated): gnomAD exomes below 0.00001; gnomAD 0.00002 and 0.00003; TOPMed 0.00002; ESP Exome Variant Server 0.00008.
gnomAD v4.1: 7 of 1,521,138 alleles (0.00046%); highest among the groups gnomAD compares: African/African-American, 0.0055%; no homozygotes.

Submissions (2):

Labcorp Genetics (formerly Invitae), Labcorp
Classification: Likely benign for Early-infantile DEE. Last evaluated: 2023-02-16. Review status: criteria provided, single submitter. Criteria: Invitae Variant Classification Sherloc (09022015). Collection method: clinical testing. Allele origin: germline.

GeneDx
Classification: Likely benign. Last evaluated: 2016-06-06. Review status: criteria provided, single submitter. Criteria: GeneDx Variant Classification (06012015). Collection method: clinical testing. Allele origin: germline. Affected: yes.
Comment: This variant is considered likely benign or benign based on one or more of the following criteria: it is a conservative change, it occurs at a poorly conserved position in the protein, it is predicted to be benign by multiple in silico algorithms, and/or has population frequency not consistent with disease.